The following is an entry in ClinVar:

ClinVar aggregate classification (germline): Pathogenic. Review status: criteria provided, multiple submitters, no conflicts (2 of 4 stars). 3 submissions from 3 submitters: Pathogenic (3). Last evaluated 2024-11-13.

Conditions:
Cardiovascular phenotype. Identifiers: MedGen CN230736.
Arrhythmogenic right ventricular dysplasia 9 (ARVD9). Also called: ARRHYTHMOGENIC RIGHT VENTRICULAR DYSPLASIA, FAMILIAL, 9; Arrhythmogenic Right Ventricular Dysplasia/Cardiomyopathy 9. Identifiers: MedGen C1836906, MONDO:0012180, OMIM 609040.

Allele frequency attached by ClinVar (database versions not stated): gnomAD exomes below 0.00001.

Submissions (3):

Labcorp Genetics (formerly Invitae), Labcorp
Classification: Pathogenic for Arrhythmogenic right ventricular dysplasia 9. Last evaluated: 2024-11-13. Review status: criteria provided, single submitter. Criteria: Invitae Variant Classification Sherloc (09022015). Collection method: clinical testing. Allele origin: germline.
Comment: This sequence change creates a premature translational stop signal (p.Asp600Valfs*56) in the PKP2 gene. It is expected to result in an absent or disrupted protein product. Loss-of-function variants in PKP2 are known to be pathogenic (PMID: 15489853, 17041889, 23911551). This variant is not present in population databases (gnomAD no frequency). This premature translational stop signal has been observed in individual(s) with arrhythmogenic right ventricular cardiomyopathy (PMID: 21606390). ClinVar contains an entry for this variant (Variation ID: 202020). For these reasons, this variant has been classified as Pathogenic.

Ambry Genetics
Classification: Pathogenic for Cardiovascular phenotype. Last evaluated: 2018-04-18. Review status: criteria provided, single submitter. Criteria: Ambry Variant Classification Scheme 2023. Collection method: clinical testing. Allele origin: germline.
Comment: The c.1799delA pathogenic mutation, located in coding exon 8 of the PKP2 gene, results from a deletion of one nucleotide at nucleotide position 1799, causing a translational frameshift with a predicted alternate stop codon (p.D600Vfs*56). This alteration has been detected in an arrhythmogenic right ventricular cardiomyopathy cohort (Quarta G et al. Circulation, 2011 Jun;123:2701-9). This alteration is expected to result in loss of function by premature protein truncation or nonsense-mediated mRNA decay. As such, this alteration is interpreted as a disease-causing mutation.

GeneDx
Classification: Pathogenic. Last evaluated: 2014-05-17. Review status: criteria provided, single submitter. Criteria: GeneDx Variant Classification (06012015). Collection method: clinical testing. Allele origin: germline. Affected: yes.
Comment: The c.1799delA mutation in the PKP2 gene has been reported previously in a cohort of individuals with ARVC (Quarta et al., 2011). This mutation causes a shift in reading frame starting at codon Aspartic acid 600, changing it to a Valine, and creating a premature stop codon at position 56 of the new reading frame, denoted p.Asp600ValfsX56. This mutation is expected to result in either an abnormal, truncated protein product or loss of protein from this allele through nonsense-mediated mRNA decay. Other frameshift mutations in the PKP2 gene have been reported in association with ARVC. In summary, c.1799delA in the PKP2 gene is interpreted as a disease-causing mutation.

Literature cited by the submitters: PubMed 15489853 (cited by Labcorp Genetics (formerly Invitae), Labcorp); PubMed 17041889 (cited by Labcorp Genetics (formerly Invitae), Labcorp); PubMed 23911551 (cited by Labcorp Genetics (formerly Invitae), Labcorp); PubMed 21606390 (cited by Labcorp Genetics (formerly Invitae), Labcorp and Ambry Genetics).

NM_001005242.3(PKP2):c.1667del (p.Asp556fs)

Gene: PKP2 (plakophilin 2; minus strand). Cytogenetic location: 12p11.21.
Variant type: Deletion.
Coding change: c.1667del on transcript NM_001005242.3 (MANE Select); coding-DNA position 1667, one base deleted (A; older notation c.1667delA).
Protein change: p.Asp556fs; shifts the reading frame from aspartic acid 556.
Molecular consequence: frameshift variant.
Genome position (GRCh38, 1-based): chr12:32,824,052, T deleted on the plus strand (A on the coding strand, the reverse complement: PKP2 is on the minus strand). VCF-style (leftmost placement, unchanged base first): chr12-32824051-AT-A. GRCh37 (hg19) VCF-style: chr12-32976985-AT-A.
Other names: c.1799del, p.Asp600fs (NM_004572.4); c.1799delA (NM_004572.3); short protein forms D556fs, D600fs.
Identifiers: ClinVar variation 202020 (VCV000202020.7), dbSNP rs794729128, ClinGen allele CA011427.
Genomic context (GRCh38, chr12:32,824,051, plus strand): 5'-AATATTCTGAAGCATCTTAGTAAGACAAAACAGGATATTTATCTCTTGAATTACCTTGTC[AT>A]CTGGCTGGTAATCTGCAATGGTTCCTCTGACATAATGGACCAGTGAGTCAATGAGTCCGT-3'